The following is an entry in ClinVar:

ClinVar aggregate classification (germline): Benign/Likely benign. Review status: criteria provided, multiple submitters, no conflicts (2 of 4 stars). 2 submissions from 2 submitters: Benign (1); Likely benign (1). Last evaluated 2026-01-19.

Conditions:
SPEG-related disorder. Also called: SPEG-related condition.

Allele frequency attached by ClinVar (database versions not stated): gnomAD 0.00034 and 0.00060; ESP Exome Variant Server 0.00048; TOPMed 0.00049; 1000 Genomes Project 30x 0.00109; 1000 Genomes Project 0.00140; gnomAD exomes 0.00147; ExAC 0.00168.
gnomAD v4.1: 1,209 of 1,606,180 alleles (0.075%); highest among the groups gnomAD compares: South Asian, 0.87%; 15 homozygotes.

Submissions (2):

Labcorp Genetics (formerly Invitae), Labcorp
Classification: Benign. Last evaluated: 2026-01-19. Review status: criteria provided, single submitter. Criteria: Invitae Variant Classification Sherloc (09022015). Collection method: clinical testing. Allele origin: germline.

PreventionGenetics, part of Exact Sciences
Classification: Likely benign for SPEG-related condition. Last evaluated: 2025-11-09. Review status: criteria provided, single submitter. Criteria: ACMG Guidelines, 2015. Collection method: clinical testing. Allele origin: germline.
Comment: This variant is classified as likely benign based on ACMG/AMP sequence variant interpretation guidelines (Richards et al. 2015 PMID: 25741868, with internal and published modifications).

NM_005876.5(SPEG):c.8922-9G>A

Genes: ASIC4-AS1 (ASIC4 antisense RNA 1; minus strand), SPEG (striated muscle enriched protein kinase; plus strand). Cytogenetic location: 2q35.
Variant type: single nucleotide variant.
Coding change: c.8922-9G>A on transcript NM_005876.5 (MANE Select); 9 bases into the intron before coding-DNA position 8922, G replaced by A.
Molecular consequence: intron variant.
Genome position (GRCh38, 1-based): chr2:219,490,400, G>A. VCF-style: chr2-219490400-G-A. GRCh37 (hg19) VCF-style: chr2-220355122-G-A.
Identifiers: ClinVar variation 729305 (VCV000729305.11), dbSNP rs370998962, ClinGen allele CA2127612.